The following is an entry in ClinVar:

ClinVar aggregate classification (germline): Uncertain significance (1 of 4 stars; one submission).

Allele frequency attached by ClinVar (database versions not stated): ExAC 0.00002; gnomAD 0.00001; gnomAD exomes 0.00001; TOPMed 0.00001.
gnomAD v4.1: 16 of 1,578,088 alleles (0.001%); highest among the groups gnomAD compares: South Asian, 0.0035%; no homozygotes.

Submission:

GeneDx
Classification: Uncertain significance. Last evaluated: 2020-12-08. Review status: criteria provided, single submitter. Criteria: GeneDx Variant Classification Process June 2021. Collection method: clinical testing. Allele origin: germline. Affected: yes.
Comment: Not observed at a significant frequency in large population cohorts (Lek et al., 2016); Has not been previously published as pathogenic or benign to our knowledge; In-silico analysis is inconclusive as to whether the variant alters gene splicing. In the absence of RNA/functional studies, the actual effect of this sequence change is unknown.

NM_144508.5(KNL1):c.5377-7A>G

Gene: KNL1 (kinetochore scaffold 1; plus strand). Cytogenetic location: 15q15.1.
Variant type: single nucleotide variant.
Coding change: c.5377-7A>G on transcript NM_144508.5 (MANE Select); 7 bases into the intron before coding-DNA position 5377, A replaced by G.
Molecular consequence: intron variant.
Genome position (GRCh38, 1-based): chr15:40,628,063, A>G. VCF-style: chr15-40628063-A-G. GRCh37 (hg19) VCF-style: chr15-40920261-A-G.
Other names: c.5455-7A>G (NM_170589.5).
Identifiers: ClinVar variation 1304355 (VCV001304355.2), dbSNP rs749592367, ClinGen allele CA7483380.